The following is an entry in ClinVar:

ClinVar aggregate classification (germline): Conflicting classifications of pathogenicity. Review status: criteria provided, conflicting classifications (1 of 4 stars). 7 submissions from 7 submitters: Uncertain significance (1); Likely benign (6). Last evaluated 2025-10-02.

Conditions:
Cardiovascular phenotype. Identifiers: MedGen CN230736.
CYP27A1-related disorder. Also called: CYP27A1-related condition.
Cholestanol storage disease (CTX). Also called: CEREBRAL CHOLESTERINOSIS; Cerebrotendinous Xanthomatosis; CTX: Cerebrotendinous xanthomatosis. Identifiers: Orphanet 909, MedGen C0238052, MONDO:0008948, OMIM 213700.

Allele frequency attached by ClinVar (database versions not stated): ExAC 0.00002; gnomAD 0.00002; gnomAD exomes 0.00003 and 0.00004; TOPMed 0.00004.
gnomAD v4.1: 65 of 1,614,100 alleles (0.004%); highest among the groups gnomAD compares: Non-Finnish European, 0.0054%; no homozygotes.

Submissions (7):

Labcorp Genetics (formerly Invitae), Labcorp
Classification: Likely benign for Cholestanol storage disease. Last evaluated: 2025-10-02. Review status: criteria provided, single submitter. Criteria: Invitae Variant Classification Sherloc (09022015). Collection method: clinical testing. Allele origin: germline.

PreventionGenetics, part of Exact Sciences
Classification: Likely benign for CYP27A1-related condition. Last evaluated: 2024-10-23. Review status: criteria provided, single submitter. Criteria: ACMG Guidelines, 2015. Collection method: clinical testing. Allele origin: germline.
Comment: This variant is classified as likely benign based on ACMG/AMP sequence variant interpretation guidelines (Richards et al. 2015 PMID: 25741868, with internal and published modifications).

Blueprint Genetics
Classification: Likely benign. Last evaluated: 2024-02-08. Review status: criteria provided, single submitter. Criteria: ACMG Guidelines, 2015. Collection method: clinical testing. Allele origin: germline.

CeGaT Center for Human Genetics Tuebingen
Classification: Likely benign. Last evaluated: 2022-12-01. Review status: criteria provided, single submitter. Criteria: CeGaT Center For Human Genetics Tuebingen Variant Classification Criteria Version 2. Collection method: clinical testing. Allele origin: germline. Affected: yes. Observed: 1 variant allele.
Comment: CYP27A1: BP4, BP7

Athena Diagnostics
Classification: Likely benign. Last evaluated: 2020-04-21. Review status: criteria provided, single submitter. Criteria: Athena Diagnostics Criteria. Collection method: clinical testing. Allele origin: unknown.

Ambry Genetics
Classification: Likely benign for Cardiovascular phenotype. Last evaluated: 2019-08-16. Review status: criteria provided, single submitter. Criteria: Ambry Variant Classification Scheme 2023. Collection method: clinical testing. Allele origin: germline.

Illumina Laboratory Services, Illumina
Classification: Uncertain significance for Cholestanol storage disease. Last evaluated: 2018-01-12. Review status: criteria provided, single submitter. Criteria: ICSL Variant Classification Criteria 13 December 2019. Collection method: clinical testing. Allele origin: germline.

NM_000784.4(CYP27A1):c.747G>A (p.Gln249=)

Gene: CYP27A1 (cytochrome P450 family 27 subfamily A member 1; plus strand). Cytogenetic location: 2q35.
Variant type: single nucleotide variant.
Coding change: c.747G>A on transcript NM_000784.4 (MANE Select); coding-DNA position 747, G replaced by A.
Protein change: p.Gln249=; no amino-acid change (glutamine 249 retained).
Molecular consequence: synonymous variant.
Genome position (GRCh38, 1-based): chr2:218,812,652, G>A. VCF-style: chr2-218812652-G-A. GRCh37 (hg19) VCF-style: chr2-219677375-G-A.
Identifiers: ClinVar variation 334369 (VCV000334369.43), dbSNP rs764766872, ClinGen allele CA2112710.